The following is an entry in ClinVar:

ClinVar aggregate classification (germline): Conflicting classifications of pathogenicity. Review status: criteria provided, conflicting classifications (1 of 4 stars). 2 submissions from 2 submitters: Uncertain significance (1); Likely benign (1). Last evaluated 2022-09-12.

Conditions:
Inborn genetic diseases. Identifiers: MedGen C0950123, MeSH D030342.

Allele frequency attached by ClinVar (database versions not stated): TOPMed 0.00002.
gnomAD v4.1: 108 of 1,614,162 alleles (0.0067%); highest among the groups gnomAD compares: East Asian, 0.082%; no homozygotes.

Submissions (2):

Labcorp Genetics (formerly Invitae), Labcorp
Classification: Uncertain significance. Last evaluated: 2022-09-12. Review status: criteria provided, single submitter. Criteria: Invitae Variant Classification Sherloc (09022015). Collection method: clinical testing. Allele origin: germline.
Comment: This sequence change replaces alanine, which is neutral and non-polar, with valine, which is neutral and non-polar, at codon 926 of the ARHGAP31 protein (p.Ala926Val). This variant is present in population databases (rs771980065, gnomAD 0.03%). This variant has not been reported in the literature in individuals affected with ARHGAP31-related conditions. ClinVar contains an entry for this variant (Variation ID: 1430987). Algorithms developed to predict the effect of missense changes on protein structure and function output the following: SIFT: "Tolerated"; PolyPhen-2: "Benign"; Align-GVGD: "Class C0". The valine amino acid residue is found in multiple mammalian species, which suggests that this missense change does not adversely affect protein function. In summary, the available evidence is currently insufficient to determine the role of this variant in disease. Therefore, it has been classified as a Variant of Uncertain Significance.

Ambry Genetics
Classification: Likely benign for Inborn genetic diseases. Last evaluated: 2021-07-06. Review status: criteria provided, single submitter. Criteria: Ambry Variant Classification Scheme 2023. Collection method: clinical testing. Allele origin: germline.

NM_020754.4(ARHGAP31):c.2777C>T (p.Ala926Val)

Gene: ARHGAP31 (Rho GTPase activating protein 31; plus strand). Cytogenetic location: 3q13.33.
Variant type: single nucleotide variant.
Coding change: c.2777C>T on transcript NM_020754.4 (MANE Select); coding-DNA position 2777, C replaced by T.
Protein change: p.Ala926Val; replaces alanine 926 with valine.
Molecular consequence: missense variant.
Genome position (GRCh38, 1-based): chr3:119,414,706, C>T. VCF-style: chr3-119414706-C-T. GRCh37 (hg19) VCF-style: chr3-119133553-C-T.
Other names: short protein forms A926V.
Identifiers: ClinVar variation 1430987 (VCV001430987.6), dbSNP rs771980065, ClinGen allele CA2554092.